The following is an entry in ClinVar:

ClinVar aggregate classification (germline): Uncertain significance (1 of 4 stars; one submission).

Conditions:
Familial hemophagocytic lymphohistiocytosis 4 (FHL4). Also called: STX11-Related Familial Hemophagocytic Lymphohistiocytosis (STX11-fHLH). Identifiers: Orphanet 540, MedGen C1863728, MONDO:0011336, OMIM 603552.

Submission:

Laboratorio de Genetica e Diagnostico Molecular, Hospital Israelita Albert Einstein
Classification: Uncertain significance for Familial hemophagocytic lymphohistiocytosis 4. Last evaluated: 2022-07-25. Review status: criteria provided, single submitter. Criteria: ACMG Guidelines, 2015. Collection method: clinical testing. Allele origin: germline. Affected: yes.
Comment: ACMG classification criteria: PM2 moderated, BP4 supporting

NM_003764.4(STX11):c.429G>T (p.Met143Ile)

Gene: STX11 (syntaxin 11; plus strand). Cytogenetic location: 6q24.2.
Variant type: single nucleotide variant.
Coding change: c.429G>T on transcript NM_003764.4 (MANE Select); coding-DNA position 429, G replaced by T.
Protein change: p.Met143Ile; replaces methionine 143 with isoleucine.
Molecular consequence: missense variant.
Genome position (GRCh38, 1-based): chr6:144,187,056, G>T. VCF-style: chr6-144187056-G-T. GRCh37 (hg19) VCF-style: chr6-144508193-G-T.
Other names: short protein forms M143I.
Identifiers: ClinVar variation 2431762 (VCV002431762.2), dbSNP rs2533802219, ClinGen allele CA365949210.